The following is an entry in ClinVar:

ClinVar aggregate classification (germline): Likely pathogenic (1 of 4 stars; one submission).

Conditions:
Spondylometaphyseal dysplasia, Sedaghatian type. Also called: SEDAGHATIAN CHONDRODYSPLASIA; Lethal metaphyseal dysplasia; METAPHYSEAL CHONDRODYSPLASIA, CONGENITAL LETHAL. Identifiers: Orphanet 93317, MedGen C1855229, MONDO:0009593, OMIM 250220.

Submission:

Lifecell International Pvt. Ltd
Classification: Likely pathogenic for Spondylometaphyseal dysplasia, Sedaghatian type. Review status: criteria provided, single submitter. Criteria: ACMG Guidelines, 2015. Collection method: clinical testing. Allele origin: germline. Inheritance: Autosomal recessive inheritance. Affected: yes. Observed: 1 compound heterozygote.
Comment: A Heterozygous Frameshift variant c.363delG in Exon 4 of the GPX4 gene that results in the amino acid substitution p.Gly122fs*14 was identified. The observed variant has a maximum allele frequency of 0.000% in gnomAD exomes and genomes, respectively. The severity of the impact of this variant on the protein is high, based on the effect of the protein and REVEL score. Rare Exome Variant Ensemble Learner (REVEL) is an ensembl method for predicting the pathogenicity of missense variants based on a combination of scores from 13 individual tools: MutPred, FATHMM v2.3, VEST 3.0, PolyPhen-2, SIFT, PROVEAN, MutationAssessor, MutationTaster, LRT, GERP++, SiPhy, phyloP, and phastCons. The REVEL score for an individual missense variant can range from 0 to 1, with higher scores reflecting greater likelihood that the variant is disease-causing. Mutations in the enzyme glutathione peroxidase 4 cause Sedaghatian-type spondylometaphyseal dysplasia (Smith, Amanda C et al., 2014; Aygun, Canan et al., 2012). Based on the above evidence this variant has been classified as Likely Pathogenic according to the ACMG guidelines.

Literature cited by the submitters: PubMed 24706940; PubMed 22529034.

NM_002085.5(GPX4):c.365del (p.Gly122fs)

Gene: GPX4 (glutathione peroxidase 4; plus strand). Cytogenetic location: 19p13.3.
Variant type: Deletion.
Coding change: c.365del on transcript NM_002085.5 (MANE Select); coding-DNA position 365, one base deleted (G; older notation c.365delG).
Protein change: p.Gly122fs; shifts the reading frame from glycine 122.
Molecular consequence: frameshift variant.
Genome position (GRCh38, 1-based): chr19:1,105,698, G deleted; the last of 3 consecutive G bases (chr19:1,105,696-1,105,698); deleting any one gives the same sequence. VCF-style (leftmost placement, unchanged base first): chr19-1105695-CG-C. GRCh37 (hg19) VCF-style: chr19-1105694-CG-C.
Other names: c.365del, p.Gly122fs (NM_001039847.3); c.476del, p.Gly159fs (NM_001039848.4); c.284del, p.Gly95fs (NM_001367832.1); c.363delG (NM_002085.5); short protein forms G122fs, G159fs, G95fs.
Identifiers: ClinVar variation 2444499 (VCV002444499.2), dbSNP rs2512693319, ClinGen allele CA2580096027.